The following is an entry in ClinVar:

NM_170754.4(TNS2):c.3598C>T (p.Arg1200Cys)

Gene: TNS2 (tensin 2; plus strand). Cytogenetic location: 12q13.13.
Variant type: single nucleotide variant.
Coding change: c.3598C>T on transcript NM_170754.4 (MANE Select); coding-DNA position 3598, C replaced by T.
Protein change: p.Arg1200Cys; replaces arginine 1200 with cysteine.
Molecular consequence: missense variant.
Genome position (GRCh38, 1-based): chr12:53,062,176, C>T. VCF-style: chr12-53062176-C-T. GRCh37 (hg19) VCF-style: chr12-53455960-C-T.
Other names: c.3598C>T, p.Arg1200Cys (NM_001416202.1); c.3556C>T, p.Arg1186Cys (NM_001416203.1); c.3625C>T, p.Arg1209Cys (NM_001416204.1); c.3529C>T, p.Arg1177Cys (NM_015319.3); c.3226C>T, p.Arg1076Cys (NM_198316.2); short protein forms R1210C, R1076C, R1200C, R1177C, R1186C, R1209C.
Identifiers: ClinVar variation 1972634 (VCV001972634.5), dbSNP rs371563026, ClinGen allele CA6592914.
Genomic context (GRCh38, chr12:53,062,176, plus strand): 5'-ATCCTAAAGCCGCAATCTTCCCCTCGCCTCCTCTCAGGGGACCCCGTGGAACAGCTGGTC[C>T]GCCATTTCCTCATCGAGACTGGGCCCAAAGGGGTGAAGATCAAGGGCTGCCCCAGTGAGC-3'
Protein context (NP_736610.2, residues 1190-1210): WKGDPVEQLV[Arg1200Cys]HFLIETGPKG

ClinVar aggregate classification (germline): Uncertain significance (1 of 4 stars; one submission).

Allele frequency attached by ClinVar (database versions not stated): gnomAD 0.00001; gnomAD exomes 0.00002; ExAC 0.00005; TOPMed 0.00005; ESP Exome Variant Server 0.00008.
gnomAD v4.1: 33 of 1,613,926 alleles (0.002%); highest among the groups gnomAD compares: South Asian, 0.0044%; no homozygotes.

Submission:

Labcorp Genetics (formerly Invitae), Labcorp
Classification: Uncertain significance. Last evaluated: 2023-08-04. Review status: criteria provided, single submitter. Criteria: Invitae Variant Classification Sherloc (09022015). Collection method: clinical testing. Allele origin: germline.
Comment: ClinVar contains an entry for this variant (Variation ID: 1972634). This variant has not been reported in the literature in individuals affected with TNS2-related conditions. This variant is present in population databases (rs371563026, gnomAD 0.004%). This sequence change replaces arginine, which is basic and polar, with cysteine, which is neutral and slightly polar, at codon 1210 of the TNS2 protein (p.Arg1210Cys). An algorithm developed to predict the effect of missense changes on protein structure and function (PolyPhen-2) suggests that this variant is likely to be disruptive. In summary, the available evidence is currently insufficient to determine the role of this variant in disease. Therefore, it has been classified as a Variant of Uncertain Significance.